The following is an entry in ClinVar:

ClinVar aggregate classification (germline): Uncertain significance (1 of 4 stars; one submission).

Submission:

Labcorp Genetics (formerly Invitae), Labcorp
Classification: Uncertain significance. Last evaluated: 2023-03-10. Review status: criteria provided, single submitter. Criteria: Invitae Variant Classification Sherloc (09022015). Collection method: clinical testing. Allele origin: germline.
Comment: Variants that disrupt the consensus splice site are a relatively common cause of aberrant splicing (PMID: 17576681, 9536098). In summary, the available evidence is currently insufficient to determine the role of this variant in disease. Therefore, it has been classified as a Variant of Uncertain Significance. This variant has not been reported in the literature in individuals affected with HYOU1-related conditions. This variant is not present in population databases (gnomAD no frequency). This sequence change falls in intron 7 of the HYOU1 gene. It does not directly change the encoded amino acid sequence of the HYOU1 protein. It affects a nucleotide within the consensus splice site.

Literature cited by the submitters: PubMed 17576681; PubMed 9536098.

NM_006389.5(HYOU1):c.678+4A>G

Gene: HYOU1 (hypoxia up-regulated 1; minus strand). Cytogenetic location: 11q23.3.
Variant type: single nucleotide variant.
Coding change: c.678+4A>G on transcript NM_006389.5 (MANE Select); 4 bases into the intron after coding-DNA position 678, A replaced by G.
Molecular consequence: intron variant.
Genome position (GRCh38, 1-based): chr11:119,054,490, T>C on the plus strand (A>G on the coding strand, the complement: HYOU1 is on the minus strand). VCF-style: chr11-119054490-T-C. GRCh37 (hg19) VCF-style: chr11-118925202-T-C.
Other names: c.678+4A>G (NM_001130991.3, NM_001411041.1).
Identifiers: ClinVar variation 2844814 (VCV002844814.3), dbSNP rs2497195259, ClinGen allele CA2739271710.